The following is an entry in ClinVar:

ClinVar aggregate classification (germline): Pathogenic (1 of 4 stars; one submission).

Conditions:
Nemaline myopathy 2 (NEM2). Also called: Nemaline myopathy 2, autosomal recessive. Identifiers: MedGen C1850569, MONDO:0009725, OMIM 256030.

Submission:

Labcorp Genetics (formerly Invitae), Labcorp
Classification: Pathogenic for Nemaline myopathy 2. Last evaluated: 2024-02-07. Review status: criteria provided, single submitter. Criteria: Invitae Variant Classification Sherloc (09022015). Collection method: clinical testing. Allele origin: germline.
Comment: This sequence change creates a premature translational stop signal (p.Ala366Glufs*20) in the NEB gene. It is expected to result in an absent or disrupted protein product. Loss-of-function variants in NEB are known to be pathogenic (PMID: 25205138). This variant is not present in population databases (gnomAD no frequency). This variant has not been reported in the literature in individuals affected with NEB-related conditions. For these reasons, this variant has been classified as Pathogenic.

Literature cited by the submitters: PubMed 25205138.

NM_001164508.2(NEB):c.1068_1096dup (p.Ala366fs)

Gene: NEB (nebulin; minus strand). Cytogenetic location: 2q23.3.
Variant type: Duplication.
Coding change: c.1068_1096dup on transcript NM_001164508.2 (MANE Select); coding-DNA positions 1068 to 1096, 29 bases duplicated (AGGAAAAGCAGATTATAATGTGCTTCCTG).
Protein change: p.Ala366fs; shifts the reading frame from alanine 366.
Molecular consequence: frameshift variant.
Genome position (GRCh38, 1-based): chr2:151,706,937-151,706,965, CAGGAAGCACATTATAATCTGCTTTTCCT duplicated on the plus strand (AGGAAAAGCAGATTATAATGTGCTTCCTG on the coding strand, the reverse complement: NEB is on the minus strand). VCF-style (leftmost placement, unchanged base first): chr2-151706936-G-GCAGGAAGCACATTATAATCTGCTTTTCCT. GRCh37 (hg19) VCF-style: chr2-152563450-G-GCAGGAAGCACATTATAATCTGCTTTTCCT.
Other names: c.1068_1096dup, p.Ala366fs (NM_001164507.2, NM_001271208.2, NM_004543.5); short protein forms A366fs.
Identifiers: ClinVar variation 2887414 (VCV002887414.3), dbSNP rs2552273400, ClinGen allele CA2739271251.